The following is an entry in ClinVar:

NM_001099922.3(ALG13):c.2755C>A (p.Pro919Thr)

Gene: ALG13 (ALG13 UDP-N-acetylglucosaminyltransferase subunit; plus strand). Cytogenetic location: Xq23.
Variant type: single nucleotide variant.
Coding change: c.2755C>A on transcript NM_001099922.3 (MANE Select); coding-DNA position 2755, C replaced by A.
Protein change: p.Pro919Thr; replaces proline 919 with threonine.
Molecular consequence: missense variant. On other transcripts: intron variant (5).
Genome position (GRCh38, 1-based): chrX:111,744,727, C>A. VCF-style: chrX-111744727-C-A. GRCh37 (hg19) VCF-style: chrX-110987955-C-A.
Other names: c.2755C>A (NM_001099922.2); c.2521C>A, p.Pro841Thr (NM_001257231.2); c.2383+7848C>A (NM_001257237.2, NM_001257234.2, NM_001257230.2); c.2209+7848C>A (NM_001324293.1); c.2695+7848C>A (NM_001324292.2); short protein forms P841T, P919T.
Identifiers: ClinVar variation 999833 (VCV000999833.9), dbSNP rs1944061818, ClinGen allele CA414291460.

ClinVar aggregate classification (germline): Uncertain significance. Review status: criteria provided, multiple submitters, no conflicts (2 of 4 stars). 2 submissions from 2 submitters: Uncertain significance (2). Last evaluated 2022-12-14.

Conditions:
Developmental and epileptic encephalopathy, 36 (DEE36). Also called: Epileptic encephalopathy, early infantile, 36; ALG13-CDG; Congenital disorder of glycosylation, type Is. Identifiers: Orphanet 324422, MedGen C4317295, MONDO:0010472, OMIM 300884.

Submissions (2):

GeneDx
Classification: Uncertain significance. Last evaluated: 2022-12-14. Review status: criteria provided, single submitter. Criteria: GeneDx Variant Classification Process June 2021. Collection method: clinical testing. Allele origin: germline. Affected: yes.
Comment: Not observed at significant frequency in large population cohorts (gnomAD); In silico analysis supports that this missense variant does not alter protein structure/function; Has not been previously published as pathogenic or benign to our knowledge

Labcorp Genetics (formerly Invitae), Labcorp
Classification: Uncertain significance for Developmental and epileptic encephalopathy, 36. Last evaluated: 2020-06-26. Review status: criteria provided, single submitter. Criteria: Invitae Variant Classification Sherloc (09022015). Collection method: clinical testing. Allele origin: germline.
Comment: This sequence change replaces proline with threonine at codon 919 of the ALG13 protein (p.Pro919Thr). The proline residue is weakly conserved and there is a small physicochemical difference between proline and threonine. The frequency data for this variant in the population databases is considered unreliable, as metrics indicate insufficient coverage at this position in the ExAC database. This variant has not been reported in the literature in individuals with ALG13-related conditions. Algorithms developed to predict the effect of missense changes on protein structure and function (SIFT, PolyPhen-2, Align-GVGD) all suggest that this variant is likely to be tolerated, but these predictions have not been confirmed by published functional studies and their clinical significance is uncertain. In summary, the available evidence is currently insufficient to determine the role of this variant in disease. Therefore, it has been classified as a Variant of Uncertain Significance.